The following is an entry in ClinVar:

NM_002397.5(MEF2C):c.391C>T (p.Gln131Ter)

Gene: MEF2C (myocyte enhancer factor 2C; minus strand). Cytogenetic location: 5q14.3.
Variant type: single nucleotide variant.
Coding change: c.391C>T on transcript NM_002397.5 (MANE Select); coding-DNA position 391, C replaced by T.
Protein change: p.Gln131Ter; replaces glutamine 131 with a stop codon.
Molecular consequence: nonsense. On other transcripts: intron variant (12).
Genome position (GRCh38, 1-based): chr5:88,761,196, G>A on the plus strand (C>T on the coding strand, the complement: MEF2C is on the minus strand). VCF-style: chr5-88761196-G-A. GRCh37 (hg19) VCF-style: chr5-88057013-G-A.
Other names: c.391C>T, p.Gln131Ter (NM_001193350.2, NM_001308002.3, NM_001363581.2 and 18 more transcripts); c.13C>T, p.Gln5Ter (NM_001364353.2, NM_001364356.2); c.259-9153C>T (NM_001364344.2, NM_001364354.2, NM_001364332.2 and 3 more transcripts); c.259-71C>T (NM_001131005.2, NM_001364352.2, NM_001364343.2); c.319-71C>T (NM_001193347.1, NM_001364338.2); c.-24-9153C>T (NM_001364357.2); short protein forms Q131*, Q5*.
Identifiers: ClinVar variation 3358982 (VCV003358982.3).

ClinVar aggregate classification (germline): Pathogenic (1 of 4 stars; one submission).

Conditions:
Neurodevelopmental disorder with hypotonia, stereotypic hand movements, and impaired language. Also called: Intellectual disability, autosomal dominant 20. Identifiers: Orphanet 228384, Orphanet 664410, MedGen C3150700, MONDO:0013266, OMIM 613443.

Submission:

Institute of Human Genetics, University of Leipzig Medical Center
Classification: Pathogenic for Neurodevelopmental disorder with hypotonia, stereotypic hand movements, and impaired language. Last evaluated: 2024-06-19. Review status: criteria provided, single submitter. Criteria: ACMG Guidelines, 2015. Collection method: clinical testing. Allele origin: de novo. Inheritance: Autosomal dominant inheritance. Affected: yes.
Comment: Criteria applied: PVS1,PM2,PS2_MOD